The following is an entry in ClinVar:

NM_015046.7(SETX):c.7590T>A (p.Pro2530=)

Gene: SETX (senataxin; minus strand). Cytogenetic location: 9q34.13.
Variant type: single nucleotide variant.
Coding change: c.7590T>A on transcript NM_015046.7 (MANE Select); coding-DNA position 7590, T replaced by A.
Protein change: p.Pro2530=; no amino-acid change (proline 2530 retained).
Molecular consequence: synonymous variant.
Genome position (GRCh38, 1-based): chr9:132,264,683, A>T on the plus strand (T>A on the coding strand, the complement: SETX is on the minus strand). VCF-style: chr9-132264683-A-T. GRCh37 (hg19) VCF-style: chr9-135140070-A-T.
Other names: p.Pro2530=; c.7590T>A, p.Pro2530= (NM_001351527.2); c.7677T>A, p.Pro2559= (NM_001351528.2).
Identifiers: ClinVar variation 468525 (VCV000468525.12), dbSNP rs1374204163, ClinGen allele CA467504947.

ClinVar aggregate classification (germline): Likely benign. Review status: criteria provided, multiple submitters, no conflicts (2 of 4 stars). 5 submissions from 4 submitters: Likely benign (5). Last evaluated 2024-12-23.

Conditions:
Spinocerebellar ataxia, autosomal recessive, with axonal neuropathy 2 (SCAN2). Also called: ATAXIA-OCULOMOTOR APRAXIA 2; Ataxia with Oculomotor Apraxia; Ataxia-ocular apraxia-2; Ataxia with Oculomotor Apraxia Type 2. Identifiers: Orphanet 64753, MedGen C1853761, MONDO:0018996, OMIM 606002.
Amyotrophic lateral sclerosis type 4 (ALS4). Also called: AMYOTROPHIC LATERAL SCLEROSIS 4, JUVENILE; NEURONOPATHY, DISTAL HEREDITARY MOTOR, WITH PYRAMIDAL FEATURES. Identifiers: Orphanet 357043, MedGen C1865409, MONDO:0011223, OMIM 602433.
Inborn genetic diseases. Identifiers: MedGen C0950123, MeSH D030342.

Allele frequency attached by ClinVar (database versions not stated): gnomAD exomes below 0.00001 and 0.00001; gnomAD 0.00001; TOPMed 0.00001.
gnomAD v4.1: 17 of 1,614,056 alleles (0.0011%); highest among the groups gnomAD compares: Middle Eastern, 0.016%; no homozygotes.

Submissions (5):

Mayo Clinic Laboratories, Mayo Clinic
Classification: Likely benign. Last evaluated: 2024-12-23. Review status: criteria provided, single submitter. Criteria: ACMG Guidelines, 2015. Collection method: clinical testing. Allele origin: germline. Observed: 1 variant allele.
Comment: BP4, BP7

Labcorp Genetics (formerly Invitae), Labcorp
Classification: Likely benign for Amyotrophic lateral sclerosis type 4; Spinocerebellar ataxia, autosomal recessive, with axonal neuropathy 2. Last evaluated: 2023-10-04. Review status: criteria provided, single submitter. Criteria: Invitae Variant Classification Sherloc (09022015). Collection method: clinical testing. Allele origin: germline.

Genome-Nilou Lab
Classification: Likely benign for Spinocerebellar ataxia, autosomal recessive, with axonal neuropathy 2. Last evaluated: 2023-02-08. Review status: criteria provided, single submitter. Criteria: ACMG Guidelines, 2015. Collection method: clinical testing. Allele origin: germline.

Genome-Nilou Lab
Classification: Likely benign for Amyotrophic lateral sclerosis type 4. Last evaluated: 2023-02-08. Review status: criteria provided, single submitter. Criteria: ACMG Guidelines, 2015. Collection method: clinical testing. Allele origin: germline.

Ambry Genetics
Classification: Likely benign for Inborn genetic diseases. Last evaluated: 2019-07-11. Review status: criteria provided, single submitter. Criteria: Ambry Variant Classification Scheme 2023. Collection method: clinical testing. Allele origin: germline.